The following is an entry in ClinVar:

NM_001013838.3(CARMIL2):c.1918C>T (p.Arg640Trp)

Gene: CARMIL2 (capping protein regulator and myosin 1 linker 2; plus strand). Cytogenetic location: 16q22.1.
Variant type: single nucleotide variant.
Coding change: c.1918C>T on transcript NM_001013838.3 (MANE Select); coding-DNA position 1918, C replaced by T.
Protein change: p.Arg640Trp; replaces arginine 640 with tryptophan.
Molecular consequence: missense variant.
Genome position (GRCh38, 1-based): chr16:67,649,618, C>T. VCF-style: chr16-67649618-C-T. GRCh37 (hg19) VCF-style: chr16-67683521-C-T.
Other names: c.1810C>T, p.Arg604Trp (NM_001317026.3); short protein forms R640W, R604W.
Identifiers: ClinVar variation 3653875 (VCV003653875.2).

ClinVar aggregate classification (germline): Uncertain significance (1 of 4 stars; one submission).

gnomAD v4.1: 2 of 1,407,892 alleles (0.00014%); highest among the groups gnomAD compares: Non-Finnish European, 0.00019%; no homozygotes.

Submission:

Labcorp Genetics (formerly Invitae), Labcorp
Classification: Uncertain significance. Last evaluated: 2024-05-19. Review status: criteria provided, single submitter. Criteria: Invitae Variant Classification Sherloc (09022015). Collection method: clinical testing. Allele origin: germline.
Comment: This sequence change replaces arginine, which is basic and polar, with tryptophan, which is neutral and slightly polar, at codon 640 of the CARMIL2 protein (p.Arg640Trp). This variant is not present in population databases (gnomAD no frequency). This variant has not been reported in the literature in individuals affected with CARMIL2-related conditions. An algorithm developed to predict the effect of missense changes on protein structure and function (PolyPhen-2) suggests that this variant is likely to be disruptive. In summary, the available evidence is currently insufficient to determine the role of this variant in disease. Therefore, it has been classified as a Variant of Uncertain Significance.